The following is an entry in ClinVar:

NM_001754.5(RUNX1):c.103A>C (p.Ser35Arg)

Gene: RUNX1 (RUNX family transcription factor 1; minus strand). Cytogenetic location: 21q22.12.
Variant type: single nucleotide variant.
Coding change: c.103A>C on transcript NM_001754.5 (MANE Select); coding-DNA position 103, A replaced by C.
Protein change: p.Ser35Arg; replaces serine 35 with arginine.
Molecular consequence: missense variant.
Genome position (GRCh38, 1-based): chr21:34,887,091, T>G on the plus strand (A>C on the coding strand, the complement: RUNX1 is on the minus strand). VCF-style: chr21-34887091-T-G. GRCh37 (hg19) VCF-style: chr21-36259388-T-G.
Other names: c.22A>C, p.Ser8Arg (NM_001001890.3, NM_001122607.2); short protein forms S35R, S8R.
Identifiers: ClinVar variation 4863645 (VCV004863645.1).
Genomic context (GRCh38, chr21:34,887,091, plus strand): 5'-CCTCGCTCATCTTGCCTGGGCTCAGCGCGGTGGAAGGCGGCGTGAAGCGGCGGCTCGTGC[T>G]GGCATCTACGGGGATACGCATCACAACAAGCCGATTGAGTTAGGACCCTGCAAACAGCTC-3'
Protein context (NP_001745.2, residues 25-45): MNPSRDVHDA[Ser35Arg]TSRRFTPPST

ClinVar aggregate classification (germline): Uncertain significance (1 of 4 stars; one submission).

Conditions:
Inborn genetic diseases. Identifiers: MedGen C0950123, MeSH D030342.

Submission:

Ambry Genetics
Classification: Uncertain significance for Inborn genetic diseases. Last evaluated: 2026-04-17. Review status: criteria provided, single submitter. Criteria: Ambry Variant Classification Scheme 2023. Collection method: clinical testing. Allele origin: germline.
Comment: The p.S35R variant (also known as c.103A>C), located in coding exon 3 of the RUNX1 gene, results from an A to C substitution at nucleotide position 103. The serine at codon 35 is replaced by arginine, an amino acid with dissimilar properties. This amino acid position is well conserved in available vertebrate species. In addition, the in silico prediction for this alteration is inconclusive. Based on the available evidence, the clinical significance of this variant remains unclear.